The following is an entry in ClinVar:

ClinVar aggregate classification (germline): Conflicting classifications of pathogenicity. Review status: criteria provided, conflicting classifications (1 of 4 stars). 11 submissions from 11 submitters: Uncertain significance (7); Likely benign (3). 1 of the submissions does not count toward it. Last evaluated 2026-07-17.

Conditions:
DIS3L2-related disorder. Also called: DIS3L2-related condition.
Perlman syndrome (PRLMNS). Identifiers: Orphanet 2849, MedGen C0796113, MONDO:0009965, OMIM 267000.

Allele frequency attached by ClinVar (database versions not stated): gnomAD 0.00011; ExAC 0.00012; TOPMed 0.00013; gnomAD exomes 0.00014; ESP Exome Variant Server 0.00016; 1000 Genomes Project 0.00020; 1000 Genomes Project 30x 0.00031.
gnomAD v4.1: 292 of 1,613,582 alleles (0.018%); highest among the groups gnomAD compares: Middle Eastern, 0.2%; no homozygotes.

Submissions (11):

PreventionGenetics, part of Exact Sciences
Classification: Uncertain significance for DIS3L2-related condition. Last evaluated: 2026-07-17. Review status: criteria provided, single submitter. Criteria: ACMG Guidelines, 2015. Collection method: clinical testing. Allele origin: germline.
Comment: The DIS3L2 c.1727G>A variant is predicted to result in the amino acid substitution p.Arg576His. This variant has been reported in individuals with Wilms tumor and neurodevelopmental disorders (Astuti et al. 2012. PubMed ID: 22306653; Schmidt et al. 2024. PubMed ID: 39039281). This variant is reported in 0.028% of alleles in individuals of Latino descent in gnomAD and has conflicting interpretations in ClinVar ranging from likely benign to uncertain (Variation ID: 410737). At this time, the clinical significance of this variant is uncertain due to the absence of conclusive functional and genetic evidence.

Dasa
Classification: Likely benign. Last evaluated: 2026-02-04. Review status: criteria provided, single submitter. Criteria: DASA Assertion Criteria. Collection method: clinical testing. Allele origin: germline.
Comment: NM_152383.5(DIS3L2):c.1727G>A (p.Arg576His) is a missense variant that results in the substitution of arginine with histidine. Computational prediction algorithms are consistent with a benign effect. Therefore, based on the currently available evidence, this variant is classified as likely benign.

Labcorp Genetics (formerly Invitae), Labcorp
Classification: Uncertain significance for Perlman syndrome. Last evaluated: 2026-01-19. Review status: criteria provided, single submitter. Criteria: Invitae Variant Classification Sherloc (09022015). Collection method: clinical testing. Allele origin: germline.
Comment: This sequence change replaces arginine, which is basic and polar, with histidine, which is basic and polar, at codon 576 of the DIS3L2 protein (p.Arg576His). This variant is present in population databases (rs200386096, gnomAD 0.03%). This missense change has been observed in individual(s) with sporadic Wilm's tumor (PMID: 22306653). ClinVar contains an entry for this variant (Variation ID: 410737). Invitae Evidence Modeling of protein sequence and biophysical properties (such as structural, functional, and spatial information, amino acid conservation, physicochemical variation, residue mobility, and thermodynamic stability) indicates that this missense variant is not expected to disrupt DIS3L2 protein function with a negative predictive value of 80%. In summary, the available evidence is currently insufficient to determine the role of this variant in disease. Therefore, it has been classified as a Variant of Uncertain Significance.

Blueprint Genetics
Classification: Likely benign. Last evaluated: 2024-11-15. Review status: criteria provided, single submitter. Criteria: ACMG Guidelines, 2015. Collection method: clinical testing. Allele origin: germline.

3billion
Classification: Likely benign for Perlman syndrome. Last evaluated: 2024-09-20. Review status: criteria provided, single submitter. Criteria: ACMG Guidelines, 2015. Collection method: clinical testing. Allele origin: germline. Affected: no.
Comment: The homozygous variant was found in patients diagnosed with another variant in a different gene, with no symptoms related to the gene containing the homozygous variant.

Revvity Omics, Revvity
Classification: Uncertain significance for Perlman syndrome. Last evaluated: 2024-09-12. Review status: criteria provided, single submitter. Criteria: ACMG Guidelines, 2015. Collection method: clinical testing. Allele origin: germline.

Baylor Genetics
Classification: Uncertain significance for Perlman syndrome. Last evaluated: 2021-04-29. Review status: criteria provided, single submitter. Criteria: ACMG Guidelines, 2015. Collection method: clinical testing. Allele origin: unknown. Affected: yes. Study: CSER-TexasKidsCanSeq.
Comment: This variant was determined to be of uncertain significance according to ACMG Guidelines, 2015 [PMID:25741868].

Institute of Human Genetics, Clinical Exome/Genome Diagnostics Group, University Hospital Bonn
Classification: Uncertain significance for Perlman syndrome. Last evaluated: 2020-11-25. Review status: criteria provided, single submitter. Criteria: ACMG Guidelines, 2015. Collection method: clinical testing. Allele origin: paternal.

Fulgent Genetics
Classification: Uncertain significance for Perlman syndrome. Last evaluated: 2018-10-31. Review status: criteria provided, single submitter. Criteria: ACMG Guidelines, 2015. Collection method: clinical testing. Allele origin: unknown.

Breakthrough Genomics
Classification: Uncertain significance. Review status: criteria provided, single submitter. Criteria: ACMG Guidelines, 2015. Collection method: not provided. Allele origin: germline. Inheritance: Autosomal recessive inheritance. Affected: yes.

Department of Pathology and Laboratory Medicine, Sinai Health System
Classification: Uncertain significance. Review status: no assertion criteria provided. Collection method: clinical testing. Allele origin: unknown. Affected: yes. Study: The Canadian Open Genetics Repository (COGR). Not counted in ClinVar's aggregate classification.
Comment: The DIS3L2 p.R576H variant was identified in the literature as a heterozygous variant in a sporadic Wilms tumor and was not found in >200 control samples; when this variant was expressed in stably transfected HEK293 cells, it did not suppress anchorage-independent cell growth (Astuti_2012_PMID:22306653). The variant was identified in dbSNP (ID: rs200386096) and ClinVar (classified as uncertain significance by Fulgent Genetics and Invitae for Renal hamartomas nephroblastomatosis and fetal gigantism). The variant was identified in control databases in 36 of 265924 chromosomes at a frequency of 0.0001354 (Genome Aggregation Database March 6, 2019, v2.1.1, non-cancer). The variant was observed in the following populations: Latino in 10 of 35026 chromosomes (freq: 0.000286), European (non-Finnish) in 19 of 117256 chromosomes (freq: 0.000162), Other in 1 of 6606 chromosomes (freq: 0.000151), South Asian in 4 of 30504 chromosomes (freq: 0.000131) and African in 2 of 22846 chromosomes (freq: 0.000088), but was not observed in the Ashkenazi Jewish, East Asian, or European (Finnish) populations. The p.R576 residue is conserved in mammals but not in more distantly related organisms however computational analyses (PolyPhen-2, SIFT, AlignGVGD, BLOSUM, MutationTaster) do not suggest a high likelihood of impact to the protein; this information is not predictive enough to rule out pathogenicity. The variant occurs outside of the splicing consensus sequence and in silico or computational prediction software programs (SpliceSiteFinder, MaxEntScan, NNSPLICE, GeneSplicer) do not predict a difference in splicing. In summary, based on the above information the clinical significance of this variant cannot be determined with certainty at this time. This variant is classified as a variant of uncertain significance.

Literature cited by the submitters: PubMed 22306653 (cited by Labcorp Genetics (formerly Invitae), Labcorp).

NM_152383.5(DIS3L2):c.1727G>A (p.Arg576His)

Gene: DIS3L2 (DIS3 like 3'-5' exoribonuclease 2; plus strand). Cytogenetic location: 2q37.1.
Variant type: single nucleotide variant.
Coding change: c.1727G>A on transcript NM_152383.5 (MANE Select); coding-DNA position 1727, G replaced by A.
Protein change: p.Arg576His; replaces arginine 576 with histidine.
Molecular consequence: missense variant. On other transcripts: non-coding transcript variant (2), intron variant (1).
Genome position (GRCh38, 1-based): chr2:232,300,107, G>A. VCF-style: chr2-232300107-G-A. GRCh37 (hg19) VCF-style: chr2-233164817-G-A.
Other names: c.1581+36745G>A (NM_001257281.2); short protein forms R576H.
Identifiers: ClinVar variation 410737 (VCV000410737.24), dbSNP rs200386096, ClinGen allele CA2164244.